The following is an entry in ClinVar:

ClinVar aggregate classification (germline): Likely benign. Review status: criteria provided, multiple submitters, no conflicts (2 of 4 stars). 2 submissions from 2 submitters: Likely benign (2). Last evaluated 2026-08-01.

Submissions (2):

CeGaT Center for Human Genetics Tuebingen
Classification: Likely benign. Last evaluated: 2026-08-01. Review status: criteria provided, single submitter. Criteria: CeGaT Center For Human Genetics Tuebingen Variant Classification Criteria Version 2. Collection method: clinical testing. Allele origin: germline. Affected: yes. Observed: 1 variant allele.
Comment: ITGA7: PM2:Supporting, BP4, BP7

Labcorp Genetics (formerly Invitae), Labcorp
Classification: Likely benign. Last evaluated: 2018-02-08. Review status: criteria provided, single submitter. Criteria: Invitae Variant Classification Sherloc (09022015). Collection method: clinical testing. Allele origin: germline.

NM_002206.3(ITGA7):c.1455A>G (p.Pro485=)

Gene: ITGA7 (integrin subunit alpha 7; minus strand). Cytogenetic location: 12q13.2.
Variant type: single nucleotide variant.
Coding change: c.1455A>G on transcript NM_002206.3 (MANE Select); coding-DNA position 1455, A replaced by G.
Protein change: p.Pro485=; no amino-acid change (proline 485 retained).
Molecular consequence: synonymous variant.
Genome position (GRCh38, 1-based): chr12:55,697,501, T>C on the plus strand (A>G on the coding strand, the complement: ITGA7 is on the minus strand). VCF-style: chr12-55697501-T-C. GRCh37 (hg19) VCF-style: chr12-56091285-T-C.
Other names: c.1467A>G, p.Pro489= (NM_001144996.2, NM_001414029.1); c.1176A>G, p.Pro392= (NM_001144997.2); c.1128A>G, p.Pro376= (NM_001367993.1); c.111A>G, p.Pro37= (NM_001367994.1); c.1455A>G, p.Pro485= (NM_001374465.1, NM_001414034.1); c.1587A>G, p.Pro529= (NM_001410977.1); c.1380A>G, p.Pro460= (NM_001414030.1); c.1368A>G, p.Pro456= (NM_001414031.1); and 3 more.
Identifiers: ClinVar variation 722024 (VCV000722024.4), dbSNP rs1592447862, ClinGen allele CA480148734.